The following is an entry in ClinVar:

ClinVar aggregate classification (germline): Uncertain significance (1 of 4 stars; one submission).

gnomAD v4.1: 2 of 1,579,274 alleles (0.00013%); highest among the groups gnomAD compares: Admixed American, 0.0019%; no homozygotes.

Submission:

Labcorp Genetics (formerly Invitae), Labcorp
Classification: Uncertain significance. Last evaluated: 2025-08-18. Review status: criteria provided, single submitter. Criteria: Invitae Variant Classification Sherloc (09022015). Collection method: clinical testing. Allele origin: germline.
Comment: This sequence change replaces alanine, which is neutral and non-polar, with threonine, which is neutral and polar, at codon 2490 of the DMXL2 protein (p.Ala2490Thr). This variant is not present in population databases (gnomAD no frequency). This variant has not been reported in the literature in individuals affected with DMXL2-related conditions. An algorithm developed to predict the effect of missense changes on protein structure and function outputs the following: PolyPhen-2: "Benign". The threonine amino acid residue is found in multiple mammalian species, which suggests that this missense change does not adversely affect protein function. In summary, the available evidence is currently insufficient to determine the role of this variant in disease. Therefore, it has been classified as a Variant of Uncertain Significance.

NM_001378457.1(DMXL2):c.7468G>A (p.Ala2490Thr)

Gene: DMXL2 (Dmx like 2; minus strand). Cytogenetic location: 15q21.2.
Variant type: single nucleotide variant.
Coding change: c.7468G>A on transcript NM_001378457.1 (MANE Select); coding-DNA position 7468, G replaced by A.
Protein change: p.Ala2490Thr; replaces alanine 2490 with threonine.
Molecular consequence: missense variant. On other transcripts: non-coding transcript variant (2).
Genome position (GRCh38, 1-based): chr15:51,466,236, C>T on the plus strand (G>A on the coding strand, the complement: DMXL2 is on the minus strand). VCF-style: chr15-51466236-C-T. GRCh37 (hg19) VCF-style: chr15-51758433-C-T.
Other names: c.7468G>A, p.Ala2490Thr (NM_001174116.3, NM_001378459.1, NM_001378461.1 and 1 more transcripts); c.5557G>A, p.Ala1853Thr (NM_001174117.3); c.7465G>A, p.Ala2489Thr (NM_001378458.1, NM_001378462.1, NM_015263.5); c.5446G>A, p.Ala1816Thr (NM_001378460.1); c.7225G>A, p.Ala2409Thr (NM_001378464.1); short protein forms A2490T, A1853T, A2409T, A1816T, A2489T.
Identifiers: ClinVar variation 4705181 (VCV004705181.1).